The following is an entry in ClinVar:

ClinVar aggregate classification (germline): Uncertain significance. Review status: criteria provided, multiple submitters, no conflicts (2 of 4 stars). 2 submissions from 2 submitters: Uncertain significance (2). Last evaluated 2025-03-26.

Conditions:
Inborn genetic diseases. Identifiers: MedGen C0950123, MeSH D030342.
Tay-Sachs disease (TSD). Also called: HEXA DEFICIENCY; GM2 gangliosidosis, type 1; Hexosaminidase alpha-subunit deficiency (variant B); Sphingolipidosis, Tay-Sachs; Hexosaminidase A Deficiency; HEXA Disorders. Identifiers: Orphanet 845, MedGen C0039373, MONDO:0010100, OMIM 272800.

gnomAD v4.1: 7 of 1,614,098 alleles (0.00043%); highest among the groups gnomAD compares: Non-Finnish European, 0.00042%; no homozygotes.

Submissions (2):

Ambry Genetics
Classification: Uncertain significance for Inborn genetic diseases. Last evaluated: 2025-03-26. Review status: criteria provided, single submitter. Criteria: Ambry Variant Classification Scheme 2023. Collection method: clinical testing. Allele origin: germline.

Labcorp Genetics (formerly Invitae), Labcorp
Classification: Uncertain significance for Tay-Sachs disease. Last evaluated: 2022-08-23. Review status: criteria provided, single submitter. Criteria: Invitae Variant Classification Sherloc (09022015). Collection method: clinical testing. Allele origin: germline.
Comment: This sequence change replaces valine, which is neutral and non-polar, with methionine, which is neutral and non-polar, at codon 372 of the HEXA protein (p.Val372Met). This variant is not present in population databases (gnomAD no frequency). This variant has not been reported in the literature in individuals affected with HEXA-related conditions. ClinVar contains an entry for this variant (Variation ID: 1404118). Algorithms developed to predict the effect of missense changes on protein structure and function are either unavailable or do not agree on the potential impact of this missense change (SIFT: "Deleterious"; PolyPhen-2: "Probably Damaging"; Align-GVGD: "Class C0"). In summary, the available evidence is currently insufficient to determine the role of this variant in disease. Therefore, it has been classified as a Variant of Uncertain Significance.

NM_000520.6(HEXA):c.1114G>A (p.Val372Met)

Gene: HEXA (hexosaminidase subunit alpha; minus strand). Cytogenetic location: 15q23.
Variant type: single nucleotide variant.
Coding change: c.1114G>A on transcript NM_000520.6 (MANE Select); coding-DNA position 1114, G replaced by A.
Protein change: p.Val372Met; replaces valine 372 with methionine.
Molecular consequence: missense variant.
Genome position (GRCh38, 1-based): chr15:72,347,718, C>T on the plus strand (G>A on the coding strand, the complement: HEXA is on the minus strand). VCF-style: chr15-72347718-C-T. GRCh37 (hg19) VCF-style: chr15-72640059-C-T.
Other names: c.1147G>A, p.Val383Met (NM_001318825.2); c.1114G>A (NM_000520.4); short protein forms V383M, V372M.
Identifiers: ClinVar variation 1404118 (VCV001404118.6), dbSNP rs759434633, ClinGen allele CA393061716.
Genomic context (GRCh38, chr15:72,347,718, plus strand): 5'-GCTTCTTCTCTTCTCTGCCCCGGCTCACCTTTACTTTATTATCAAACACCTCCTGCCACA[C>T]CACATAGCCCTTGCCATAAGAAGAGACGATGTCCAGCAGCCTGGAGAGGAGAGGAGTGTC-3'
Protein context (NP_000511.2, residues 362-382): IVSSYGKGYV[Val372Met]WQEVFDNKVK